The following is an entry in ClinVar:

ClinVar aggregate classification (germline): Pathogenic (1 of 4 stars; one submission).

Submission:

Labcorp Genetics (formerly Invitae), Labcorp
Classification: Pathogenic. Last evaluated: 2022-08-01. Review status: criteria provided, single submitter. Criteria: Invitae Variant Classification Sherloc (09022015). Collection method: clinical testing. Allele origin: germline.
Comment: This variant is a gross deletion of the genomic region encompassing exon(s) 16-21 of the EYS gene. This deletion is out-of-frame, and is expected to create a premature termination codon and result in an absent or disrupted protein product. Loss-of-function variants in EYS are known to be pathogenic (PMID: 18836446, 20333770). A similar copy number variant has been observed in individual(s) with retinitis pigmentosa (PMID: 32036094). For these reasons, this variant has been classified as Pathogenic.

Literature cited by the submitters: PubMed 18836446; PubMed 20333770; PubMed 32036094.

NC_000006.11:g.(?_65531528)_(65622646_?)del

Gene: EYS (eyes shut homolog; minus strand). Cytogenetic location: 6q12.
Variant type: Deletion.
Identifiers: ClinVar variation 1070726 (VCV001070726.5).